The following is an entry in ClinVar:

NM_020708.5(SLC12A5):c.2984G>C (p.Gly995Ala)

Gene: SLC12A5 (solute carrier family 12 member 5; plus strand). Cytogenetic location: 20q13.12.
Variant type: single nucleotide variant.
Coding change: c.2984G>C on transcript NM_020708.5 (MANE Select); coding-DNA position 2984, G replaced by C.
Protein change: p.Gly995Ala; replaces glycine 995 with alanine.
Molecular consequence: missense variant.
Genome position (GRCh38, 1-based): chr20:46,056,438, G>C. VCF-style: chr20-46056438-G-C. GRCh37 (hg19) VCF-style: chr20-44685077-G-C.
Other names: c.3053G>C, p.Gly1018Ala (NM_001134771.2); short protein forms G995A, G1018A.
Identifiers: ClinVar variation 859205 (VCV000859205.8), dbSNP rs376925159, ClinGen allele CA9887758.

ClinVar aggregate classification (germline): Uncertain significance. Review status: criteria provided, multiple submitters, no conflicts (2 of 4 stars). 3 submissions from 3 submitters: Uncertain significance (3). Last evaluated 2026-08-01.

Conditions:
Developmental and epileptic encephalopathy, 34 (DEE34). Also called: Early infantile epileptic encephalopathy 34; SLC12A5-Related Epilepsy of Infancy with Migrating Focal Seizures. Identifiers: Orphanet 293181, MedGen C4225257, MONDO:0014718, OMIM 616645.

Allele frequency attached by ClinVar (database versions not stated): ExAC 0.00001; gnomAD exomes 0.00001; gnomAD 0.00003; TOPMed 0.00004; ESP Exome Variant Server 0.00008.
gnomAD v4.1: 16 of 1,613,980 alleles (0.00099%); highest among the groups gnomAD compares: African/African-American, 0.013%; no homozygotes.

Submissions (3):

CeGaT Center for Human Genetics Tuebingen
Classification: Uncertain significance. Last evaluated: 2026-08-01. Review status: criteria provided, single submitter. Criteria: CeGaT Center For Human Genetics Tuebingen Variant Classification Criteria Version 2. Collection method: clinical testing. Allele origin: germline. Affected: yes. Observed: 1 variant allele.
Comment: SLC12A5: PM2, BP4

Blueprint Genetics
Classification: Uncertain significance. Last evaluated: 2024-08-06. Review status: criteria provided, single submitter. Criteria: ACMG Guidelines, 2015. Collection method: clinical testing. Allele origin: germline.

Labcorp Genetics (formerly Invitae), Labcorp
Classification: Uncertain significance for Developmental and epileptic encephalopathy, 34. Last evaluated: 2024-02-16. Review status: criteria provided, single submitter. Criteria: Invitae Variant Classification Sherloc (09022015). Collection method: clinical testing. Allele origin: germline.
Comment: This sequence change replaces glycine, which is neutral and non-polar, with alanine, which is neutral and non-polar, at codon 995 of the SLC12A5 protein (p.Gly995Ala). This variant is present in population databases (rs376925159, gnomAD 0.01%). This variant has not been reported in the literature in individuals affected with SLC12A5-related conditions. ClinVar contains an entry for this variant (Variation ID: 859205). Advanced modeling of protein sequence and biophysical properties (such as structural, functional, and spatial information, amino acid conservation, physicochemical variation, residue mobility, and thermodynamic stability) performed at Invitae indicates that this missense variant is not expected to disrupt SLC12A5 protein function with a negative predictive value of 95%. In summary, the available evidence is currently insufficient to determine the role of this variant in disease. Therefore, it has been classified as a Variant of Uncertain Significance.